The following is an entry in ClinVar:

ClinVar aggregate classification (germline): Benign/Likely benign. Review status: criteria provided, multiple submitters, no conflicts (2 of 4 stars). 3 submissions from 3 submitters: Benign (2); Likely benign (1). Last evaluated 2018-11-12.

Conditions:
Dyskeratosis congenita, autosomal recessive 1. Identifiers: Orphanet 1775, MedGen C1857144, MONDO:0009136, OMIM 224230.

Allele frequency attached by ClinVar (database versions not stated): gnomAD 0.15629; TOPMed 0.16772; 1000 Genomes Project 30x 0.20347; 1000 Genomes Project 0.21006.
gnomAD v4.1: 141,964 of 890,382 alleles (16%); highest among the groups gnomAD compares: East Asian, 30%; 12,372 homozygotes.

Submissions (3):

GeneDx
Classification: Benign. Last evaluated: 2018-11-12. Review status: criteria provided, single submitter. Criteria: GeneDx Variant Classification Process June 2021. Collection method: clinical testing. Allele origin: germline. Affected: yes.

Illumina Laboratory Services, Illumina
Classification: Benign for Dyskeratosis congenita, autosomal recessive 1. Last evaluated: 2018-01-13. Review status: criteria provided, single submitter. Criteria: ICSL Variant Classification Criteria 13 December 2019. Collection method: clinical testing. Allele origin: germline.
Comment: This variant was observed in the ICSL laboratory as part of a predisposition screen in an ostensibly healthy population. It had not been previously curated by ICSL or reported in the Human Gene Mutation Database (HGMD: prior to June 1st, 2018), and was therefore a candidate for classification through an automated scoring system. Utilizing variant allele frequency, disease prevalence and penetrance estimates, and inheritance mode, an automated score was calculated to assess if this variant is too frequent to cause the disease. Based on the score and internal cut-off values, a variant classified as benign is not then subjected to further curation. The score for this variant resulted in a classification of benign for this disease.

Breakthrough Genomics
Classification: Likely benign. Review status: criteria provided, single submitter. Criteria: ACMG Guidelines, 2015. Collection method: not provided. Allele origin: germline. Inheritance: Autosomal recessive inheritance. Affected: yes.

NM_018648.4(NOP10):c.*136T>C

Gene: NOP10 (NOP10 ribonucleoprotein; minus strand). Cytogenetic location: 15q14.
Variant type: single nucleotide variant.
Coding change: c.*136T>C on transcript NM_018648.4 (MANE Select); 136 bases downstream of the stop codon, T replaced by C.
Molecular consequence: 3 prime UTR variant.
Genome position (GRCh38, 1-based): chr15:34,341,832, A>G on the plus strand (T>C on the coding strand, the complement: NOP10 is on the minus strand). VCF-style: chr15-34341832-A-G. GRCh37 (hg19) VCF-style: chr15-34634033-A-G.
Identifiers: ClinVar variation 315631 (VCV000315631.8), dbSNP rs3063, ClinGen allele CA10646799.